The following is an entry in ClinVar:

NM_001031710.3(KLHL7):c.317+3G>A

Gene: KLHL7 (kelch like family member 7; plus strand). Cytogenetic location: 7p15.3.
Variant type: single nucleotide variant.
Coding change: c.317+3G>A on transcript NM_001031710.3 (MANE Select); 3 bases into the intron after coding-DNA position 317, G replaced by A.
Molecular consequence: intron variant.
Genome position (GRCh38, 1-based): chr7:23,124,784, G>A. VCF-style: chr7-23124784-G-A. GRCh37 (hg19) VCF-style: chr7-23164403-G-A.
Other names: c.317+3G>A (NM_001172428.2); c.173+3G>A (NM_018846.5).
Identifiers: ClinVar variation 3633471 (VCV003633471.2).

ClinVar aggregate classification (germline): Uncertain significance (1 of 4 stars; one submission).

gnomAD v4.1: 7 of 1,554,408 alleles (0.00045%); highest among the groups gnomAD compares: Non-Finnish European, 0.00062%; no homozygotes.

Submission:

Labcorp Genetics (formerly Invitae), Labcorp
Classification: Uncertain significance. Last evaluated: 2024-09-04. Review status: criteria provided, single submitter. Criteria: Invitae Variant Classification Sherloc (09022015). Collection method: clinical testing. Allele origin: germline.
Comment: This sequence change falls in intron 3 of the KLHL7 gene. It does not directly change the encoded amino acid sequence of the KLHL7 protein. It affects a nucleotide within the consensus splice site. This variant is present in population databases (rs373203004, gnomAD 0.0009%). This variant has not been reported in the literature in individuals affected with KLHL7-related conditions. Variants that disrupt the consensus splice site are a relatively common cause of aberrant splicing (PMID: 17576681, 9536098). Algorithms developed to predict the effect of sequence changes on RNA splicing suggest that this variant is not likely to affect RNA splicing. In summary, the available evidence is currently insufficient to determine the role of this variant in disease. Therefore, it has been classified as a Variant of Uncertain Significance.

Literature cited by the submitters: PubMed 17576681; PubMed 9536098.